The following is an entry in ClinVar:

NM_033100.4(CDHR1):c.1582A>G (p.Ile528Val)

Gene: CDHR1 (cadherin related family member 1; plus strand). Cytogenetic location: 10q23.1.
Variant type: single nucleotide variant.
Coding change: c.1582A>G on transcript NM_033100.4 (MANE Select); coding-DNA position 1582, A replaced by G.
Protein change: p.Ile528Val; replaces isoleucine 528 with valine.
Molecular consequence: missense variant.
Genome position (GRCh38, 1-based): chr10:84,212,207, A>G. VCF-style: chr10-84212207-A-G. GRCh37 (hg19) VCF-style: chr10-85971963-A-G.
Other names: c.1582A>G, p.Ile528Val (NM_001171971.3); short protein forms I528V.
Identifiers: ClinVar variation 2133154 (VCV002133154.4), dbSNP rs2492537905, ClinGen allele CA377377801.
Genomic context (GRCh38, chr10:84,212,207, plus strand): 5'-GCACACCCATGCCTATGTGCTCTGCCTGGCAGCTTCCTGATCCACCCATCCACTGGGCTT[A>G]TCTACACCCAGCCCTGGGCTAGCCTGGACGCTGAGGCCACTGCCAGGTACAACTTCTATG-3'
Protein context (NP_149091.1, residues 518-538): LFLIHPSTGL[Ile528Val]YTQPWASLDA

ClinVar aggregate classification (germline): Uncertain significance (1 of 4 stars; one submission).

Submission:

Labcorp Genetics (formerly Invitae), Labcorp
Classification: Uncertain significance. Last evaluated: 2022-05-05. Review status: criteria provided, single submitter. Criteria: Invitae Variant Classification Sherloc (09022015). Collection method: clinical testing. Allele origin: germline.
Comment: In summary, the available evidence is currently insufficient to determine the role of this variant in disease. Therefore, it has been classified as a Variant of Uncertain Significance. Advanced modeling of protein sequence and biophysical properties (such as structural, functional, and spatial information, amino acid conservation, physicochemical variation, residue mobility, and thermodynamic stability) performed at Invitae indicates that this missense variant is not expected to disrupt CDHR1 protein function. This variant has not been reported in the literature in individuals affected with CDHR1-related conditions. This variant is not present in population databases (gnomAD no frequency). This sequence change replaces isoleucine, which is neutral and non-polar, with valine, which is neutral and non-polar, at codon 528 of the CDHR1 protein (p.Ile528Val).